The following is an entry in ClinVar:

NM_007294.4(BRCA1):c.4484+3A>C

Gene: BRCA1 (BRCA1 DNA repair associated; minus strand). Cytogenetic location: 17q21.31.
Variant type: single nucleotide variant.
Coding change: c.4484+3A>C on transcript NM_007294.4 (MANE Select); 3 bases into the intron after coding-DNA position 4484, A replaced by C.
Molecular consequence: intron variant.
Genome position (GRCh38, 1-based): chr17:43,076,485, T>G on the plus strand (A>C on the coding strand, the complement: BRCA1 is on the minus strand). VCF-style: chr17-43076485-T-G. GRCh37 (hg19) VCF-style: chr17-41228502-T-G.
Other names: c.1175+3A>C (NM_001407978.1, NM_001407975.1, NM_001407976.1 and 3 more transcripts); c.4478+3A>C (NM_001407639.1, NM_001407628.1, NM_001407637.1 and 14 more transcripts); c.4481+3A>C (NM_001407859.1, NM_001407620.1, NM_001407623.1 and 17 more transcripts); c.4484+3A>C (NM_001407597.1, NM_001407605.1, NM_001407602.1 and 8 more transcripts); c.4550+3A>C (NM_001407582.1, NM_001407581.1); c.4268+3A>C (NM_001407917.1, NM_001407915.1, NM_001407916.1 and 1 more transcripts); c.4271+3A>C (NM_001407902.1, NM_001407897.1, NM_001407895.1 and 12 more transcripts); c.4340+3A>C (NM_001407747.1, NM_001407744.1, NM_001407750.1 and 21 more transcripts); and 71 more.
Identifiers: ClinVar variation 801077 (VCV000801077.7), dbSNP rs1597838973, ClinGen allele CA915950043.

ClinVar aggregate classification (germline): Conflicting classifications of pathogenicity. Review status: criteria provided, conflicting classifications (1 of 4 stars). 2 submissions from 2 submitters: Pathogenic (1); Uncertain significance (1). Last evaluated 2023-05-22.

Conditions:
Hereditary breast ovarian cancer syndrome. Also called: BRCA1- and BRCA2-Associated Hereditary Breast and Ovarian Cancer; Hereditary breast and ovarian cancer syndrome; Hereditary breast and/or ovarian cancer syndrome; Hereditary breast and ovarian cancer; Hereditary breast and ovarian cancer syndrome (HBOC); Breast and ovarian cancer. Identifiers: Orphanet 145, MedGen C0677776, MeSH D061325, MONDO:0003582. Disease mechanism: loss of function.

Submissions (2):

Labcorp Genetics (formerly Invitae), Labcorp
Classification: Pathogenic for Hereditary breast ovarian cancer syndrome. Last evaluated: 2023-05-22. Review status: criteria provided, single submitter. Criteria: Invitae Variant Classification Sherloc (09022015). Collection method: clinical testing. Allele origin: germline.
Comment: For these reasons, this variant has been classified as Pathogenic. Variants that disrupt the consensus splice site are a relatively common cause of aberrant splicing (PMID: 17576681, 9536098). Studies have shown that this variant results in skipping of exon 13 and introduces a premature termination codon (PMID: 31143303; Invitae). The resulting mRNA is expected to undergo nonsense-mediated decay. ClinVar contains an entry for this variant (Variation ID: 801077). This variant has not been reported in the literature in individuals affected with BRCA1-related conditions. This variant is not present in population databases (gnomAD no frequency). This sequence change falls in intron 13 of the BRCA1 gene. It does not directly change the encoded amino acid sequence of the BRCA1 protein. RNA analysis indicates that this variant induces altered splicing and may result in an absent or disrupted protein product.

Quest Diagnostics Nichols Institute San Juan Capistrano
Classification: Uncertain significance. Last evaluated: 2023-02-02. Review status: criteria provided, single submitter. Criteria: Quest Diagnostics criteria. Collection method: clinical testing. Allele origin: unknown.
Comment: It has not been reported in large, multi-ethnic general populations. In the published literature, the variant has been reported to cause the complete skipping of exon 14 and a truncated protein product (PMID: 31143303 (2019)). Analysis of this variant using software algorithms for the prediction of the effect of nucleotide changes on splicing yielded predictions that this variant may affect proper BRCA1 mRNA splicing . Based on the available information, we are unable to determine the clinical significance of this variant.

Literature cited by the submitters: PubMed 17576681 (cited by Labcorp Genetics (formerly Invitae), Labcorp); PubMed 9536098 (cited by Labcorp Genetics (formerly Invitae), Labcorp); PubMed 31143303 (cited by Labcorp Genetics (formerly Invitae), Labcorp and Quest Diagnostics Nichols Institute San Juan Capistrano).